The following is an entry in ClinVar:

ClinVar aggregate classification (germline): Likely pathogenic (1 of 4 stars; one submission).

Submission:

GeneDx
Classification: Likely pathogenic. Last evaluated: 2025-08-12. Review status: criteria provided, single submitter. Criteria: GeneDx Variant Classification Process June 2021. Collection method: clinical testing. Allele origin: germline. Affected: yes.
Comment: Not observed at significant frequency in large population cohorts (gnomAD); In silico analysis supports that this missense variant has a deleterious effect on protein structure/function; Has not been previously published as pathogenic or benign to our knowledge

NM_000701.8(ATP1A1):c.1001A>C (p.Glu334Ala)

Gene: ATP1A1 (ATPase Na+/K+ transporting subunit alpha 1; plus strand). Cytogenetic location: 1p13.1.
Variant type: single nucleotide variant.
Coding change: c.1001A>C on transcript NM_000701.8 (MANE Select); coding-DNA position 1001, A replaced by C.
Protein change: p.Glu334Ala; replaces glutamic acid 334 with alanine.
Molecular consequence: missense variant.
Genome position (GRCh38, 1-based): chr1:116,389,685, A>C. VCF-style: chr1-116389685-A-C. GRCh37 (hg19) VCF-style: chr1-116932307-A-C.
Other names: c.1001A>C, p.Glu334Ala (NM_001160233.2); c.908A>C, p.Glu303Ala (NM_001160234.2); short protein forms E334A, E303A.
Identifiers: ClinVar variation 4795487 (VCV004795487.1).
Genomic context (GRCh38, chr1:116,389,685, plus strand): 5'-AGTACACCTGGCTTGAGGCTGTCATCTTCCTCATCGGTATCATCGTAGCCAATGTGCCGG[A>C]AGGTTTGCTGGCCACTGTCACGGTAAGAGGCAGGTGATGGTCACCCTGACTCAGATCAGC-3'
Protein context (NP_000692.2, residues 324-344): LIGIIVANVP[Glu334Ala]GLLATVTVCL